The following is an entry in ClinVar:

ClinVar aggregate classification (germline): Pathogenic (1 of 4 stars; one submission).

Conditions:
Glycogen storage disease type III (GSD3). Also called: FORBES DISEASE; Cori disease. Identifiers: Orphanet 366, MedGen C0017922, MONDO:0009291, OMIM 232400.

Submission:

Labcorp Genetics (formerly Invitae), Labcorp
Classification: Pathogenic for Glycogen storage disease type III. Last evaluated: 2023-11-17. Review status: criteria provided, single submitter. Criteria: Invitae Variant Classification Sherloc (09022015). Collection method: clinical testing. Allele origin: germline.
Comment: This sequence change creates a premature translational stop signal (p.Ser1342Profs*7) in the AGL gene. It is expected to result in an absent or disrupted protein product. Loss-of-function variants in AGL are known to be pathogenic (PMID: 19299494). This variant is not present in population databases (gnomAD no frequency). This variant has not been reported in the literature in individuals affected with AGL-related conditions. For these reasons, this variant has been classified as Pathogenic.

Literature cited by the submitters: PubMed 19299494.

NM_000642.3(AGL):c.4024del (p.Ser1342fs)

Gene: AGL (amylo-alpha-1,6-glucosidase and 4-alpha-glucanotransferase; plus strand). Cytogenetic location: 1p21.2.
Variant type: Deletion.
Coding change: c.4024del on transcript NM_000642.3 (MANE Select); coding-DNA position 4024, one base deleted (T; older notation c.4024delT).
Protein change: p.Ser1342fs; shifts the reading frame from serine 1342.
Molecular consequence: frameshift variant.
Genome position (GRCh38, 1-based): chr1:99,913,601, T deleted; the last of 3 consecutive T bases (chr1:99,913,599-99,913,601); deleting any one gives the same sequence. VCF-style (leftmost placement, unchanged base first): chr1-99913598-GT-G. GRCh37 (hg19) VCF-style: chr1-100379154-GT-G.
Other names: c.4024delT, p.Ser1342Profs (NM_000028.3, NM_000643.3, NM_000644.3 and 1 more transcripts); c.3976delT, p.Ser1326Profs (NM_000646.3); c.4003delT, p.Ser1335Profs (NM_001425326.1); c.3823delT, p.Ser1275Profs (NM_001425327.1); c.3820delT, p.Ser1274Profs (NM_001425328.1); c.3685delT, p.Ser1229Profs (NM_001425329.1); c.3646delT, p.Ser1216Profs (NM_001425332.1); short protein forms S1326fs, S1342fs.
Identifiers: ClinVar variation 2987919 (VCV002987919.3), dbSNP rs2523824790, ClinGen allele CA2740090243.